The following is an entry in ClinVar:

ClinVar aggregate classification (germline): Uncertain significance (1 of 4 stars; one submission).

Allele frequency attached by ClinVar (database versions not stated): ExAC 0.00001.
gnomAD v4.1: 20 of 1,613,622 alleles (0.0012%); highest among the groups gnomAD compares: South Asian, 0.021%; no homozygotes.

Submission:

GeneDx
Classification: Uncertain significance. Last evaluated: 2022-11-10. Review status: criteria provided, single submitter. Criteria: GeneDx Variant Classification Process June 2021. Collection method: clinical testing. Allele origin: germline. Affected: yes.
Comment: In silico analysis supports that this missense variant does not alter protein structure/function; Has not been previously published as pathogenic or benign to our knowledge

NM_005529.7(HSPG2):c.12269C>A (p.Thr4090Asn)

Gene: HSPG2 (heparan sulfate proteoglycan 2; minus strand). Cytogenetic location: 1p36.12.
Variant type: single nucleotide variant.
Coding change: c.12269C>A on transcript NM_005529.7 (MANE Select); coding-DNA position 12269, C replaced by A.
Protein change: p.Thr4090Asn; replaces threonine 4090 with asparagine.
Molecular consequence: missense variant.
Genome position (GRCh38, 1-based): chr1:21,828,395, G>T on the plus strand (C>A on the coding strand, the complement: HSPG2 is on the minus strand). VCF-style: chr1-21828395-G-T. GRCh37 (hg19) VCF-style: chr1-22154888-G-T.
Other names: c.12272C>A, p.Thr4091Asn (NM_001291860.2); short protein forms T4090N, T4091N.
Identifiers: ClinVar variation 2501904 (VCV002501904.1), dbSNP rs746598129, ClinGen allele CA669471.
Genomic context (GRCh38, chr1:21,828,395, plus strand): 5'-CGCTCACATGGGGAGCTATCATAGCATTGCCCGATGCCCTGGCTGCCTAGGAAACTGTAG[G>T]TGAGGTCCAGCCGTTTGCCATTCACTGACACCTGTGGGGACAGGGACACCGAGGGACTAA-3'
Protein context (NP_005520.4, residues 4080-4100): VSVNGKRLDL[Thr4090Asn]YSFLGSQGIG